The following is an entry in ClinVar:

ClinVar aggregate classification (germline): Uncertain significance. Review status: criteria provided, multiple submitters, no conflicts (2 of 4 stars). 2 submissions from 2 submitters: Uncertain significance (2). Last evaluated 2025-08-31.

Allele frequency attached by ClinVar (database versions not stated): gnomAD exomes 0.00001; gnomAD 0.00005; ESP Exome Variant Server 0.00008; TOPMed 0.00009.

Submissions (2):

Ambry Genetics
Classification: Uncertain significance. Last evaluated: 2025-08-31. Review status: criteria provided, single submitter. Criteria: Ambry Variant Classification Scheme 2023. Collection method: clinical testing. Allele origin: germline.

Labcorp Genetics (formerly Invitae), Labcorp
Classification: Uncertain significance. Last evaluated: 2025-05-21. Review status: criteria provided, single submitter. Criteria: Invitae Variant Classification Sherloc (09022015). Collection method: clinical testing. Allele origin: germline.
Comment: This sequence change replaces leucine, which is neutral and non-polar, with isoleucine, which is neutral and non-polar, at codon 278 of the GPR45 protein (p.Leu278Ile). This variant is present in population databases (rs138866799, gnomAD 0.008%). This variant has not been reported in the literature in individuals affected with GPR45-related conditions. ClinVar contains an entry for this variant (Variation ID: 2190750). An algorithm developed to predict the effect of missense changes on protein structure and function (PolyPhen-2) suggests that this variant is likely to be tolerated. In summary, the available evidence is currently insufficient to determine the role of this variant in disease. Therefore, it has been classified as a Variant of Uncertain Significance.

NM_007227.3(GPR45):c.832C>A (p.Leu278Ile)

Gene: GPR45 (G protein-coupled receptor 45; plus strand). Cytogenetic location: 2q12.1.
Variant type: single nucleotide variant.
Coding change: c.832C>A on transcript NM_007227.3 (MANE Select); coding-DNA position 832, C replaced by A.
Protein change: p.Leu278Ile; replaces leucine 278 with isoleucine.
Molecular consequence: missense variant.
Genome position (GRCh38, 1-based): chr2:105,242,690, C>A. VCF-style: chr2-105242690-C-A. GRCh37 (hg19) VCF-style: chr2-105859147-C-A.
Other names: short protein forms L278I.
Identifiers: ClinVar variation 2190750 (VCV002190750.5), dbSNP rs138866799, ClinGen allele CA53398518.
Genomic context (GRCh38, chr2:105,242,690, plus strand): 5'-GACTTGAGCTTCAAGACCAAGGCCTTCACCACCATCCTGATCCTCTTCGTGGGCTTCTCC[C>A]TCTGCTGGCTGCCCCACTCCGTCTACAGCCTCCTGTCTGTGTTTAGCCAGCGCTTTTACT-3'
Protein context (NP_009158.3, residues 268-288): TILILFVGFS[Leu278Ile]CWLPHSVYSL